The following is an entry in ClinVar:

NM_020800.3(IFT80):c.1204C>T (p.Arg402Cys)

Genes: IFT80 (intraflagellar transport 80; minus strand), TRIM59-IFT80 (TRIM59-IFT80 readthrough (NMD candidate); minus strand). Cytogenetic location: 3q25.33.
Variant type: single nucleotide variant.
Coding change: c.1204C>T on transcript NM_020800.3 (MANE Select); coding-DNA position 1204, C replaced by T.
Protein change: p.Arg402Cys; replaces arginine 402 with cysteine.
Molecular consequence: missense variant. On other transcripts: non-coding transcript variant (3).
Genome position (GRCh38, 1-based): chr3:160,300,994, G>A on the plus strand (C>T on the coding strand, the complement: IFT80 is on the minus strand). VCF-style: chr3-160300994-G-A. GRCh37 (hg19) VCF-style: chr3-160018782-G-A.
Other names: c.1204C>T (NM_020800.2); c.793C>T, p.Arg265Cys (NM_001190241.2, NM_001190242.2); short protein forms R265C, R402C.
Identifiers: ClinVar variation 1026307 (VCV001026307.7), dbSNP rs190990464, ClinGen allele CA2685223.
Genomic context (GRCh38, chr3:160,300,994, plus strand): 5'-CAGTCTGTGCATTCAGAATATCTGTTCTCATTCCAGGAAATTTTGGAGATGAAATAAAGC[G>A]CCCTTCATATGAATATAAATAGATACTACTACCATCTACAAGAAGAAAATGTCTAAAAAA-3'
Protein context (NP_065851.1, residues 392-412): SSIYLYSYEG[Arg402Cys]FISSPKFPGM

ClinVar aggregate classification (germline): Uncertain significance. Review status: criteria provided, multiple submitters, no conflicts (2 of 4 stars). 3 submissions from 3 submitters: Uncertain significance (3). Last evaluated 2025-12-02.

Conditions:
Jeune thoracic dystrophy. Also called: Jeune syndrome; Infantile thoracic dystrophy; Thoracic pelvic phalangeal dystrophy; Jeune's syndrome; Chondroectodermal dysplasia-like syndrome; Short-rib thoracic dysplasia. Identifiers: Orphanet 474, MedGen C0265275, MONDO:0018770.
Inborn genetic diseases. Identifiers: MedGen C0950123, MeSH D030342.
Asphyxiating thoracic dystrophy 2 (SRTD2). Also called: SHORT-RIB THORACIC DYSPLASIA 2 WITH OR WITHOUT POLYDACTYLY; SHORT-RIB THORACIC DYSPLASIA 2 WITH POLYDACTYLY; SHORT-RIB THORACIC DYSPLASIA 2 WITHOUT POLYDACTYLY. Identifiers: Orphanet 474, MedGen C1970005, MONDO:0012644, OMIM 611263.

Allele frequency attached by ClinVar (database versions not stated): gnomAD exomes 0.00002 and 0.00008; ExAC 0.00009; TOPMed 0.00009; gnomAD 0.00011 and 0.00012; 1000 Genomes Project 0.00060; 1000 Genomes Project 30x 0.00078.
gnomAD v4.1: 48 of 1,602,766 alleles (0.003%); highest among the groups gnomAD compares: African/African-American, 0.025%; no homozygotes.

Submissions (3):

Ambry Genetics
Classification: Uncertain significance for Inborn genetic diseases. Last evaluated: 2025-12-02. Review status: criteria provided, single submitter. Criteria: Ambry Variant Classification Scheme 2023. Collection method: clinical testing. Allele origin: germline.

Fulgent Genetics
Classification: Uncertain significance for Asphyxiating thoracic dystrophy 2. Last evaluated: 2024-06-14. Review status: criteria provided, single submitter. Criteria: ACMG Guidelines, 2015. Collection method: clinical testing. Allele origin: germline.

Labcorp Genetics (formerly Invitae), Labcorp
Classification: Uncertain significance for Jeune thoracic dystrophy. Last evaluated: 2022-08-13. Review status: criteria provided, single submitter. Criteria: Invitae Variant Classification Sherloc (09022015). Collection method: clinical testing. Allele origin: germline.
Comment: This sequence change replaces arginine, which is basic and polar, with cysteine, which is neutral and slightly polar, at codon 402 of the IFT80 protein (p.Arg402Cys). This variant is present in population databases (rs190990464, gnomAD 0.03%). This variant has not been reported in the literature in individuals affected with IFT80-related conditions. ClinVar contains an entry for this variant (Variation ID: 1026307). Algorithms developed to predict the effect of missense changes on protein structure and function (SIFT, PolyPhen-2, Align-GVGD) all suggest that this variant is likely to be disruptive. Algorithms developed to predict the effect of sequence changes on RNA splicing suggest that this variant may create or strengthen a splice site. In summary, the available evidence is currently insufficient to determine the role of this variant in disease. Therefore, it has been classified as a Variant of Uncertain Significance.